The following is an entry in ClinVar:

NM_020937.4(FANCM):c.3475_3476del (p.Leu1159fs)

Gene: FANCM (FA complementation group M; plus strand). Cytogenetic location: 14q21.2.
Variant type: Deletion.
Coding change: c.3475_3476del on transcript NM_020937.4 (MANE Select); coding-DNA positions 3475 to 3476, 2 bases deleted (TT; older notation c.3475_3476delTT).
Protein change: p.Leu1159fs; shifts the reading frame from leucine 1159.
Molecular consequence: frameshift variant.
Genome position (GRCh38, 1-based): chr14:45,176,229-45,176,230, TT deleted; deleting any 2 consecutive bases within chr14:45,176,228-45,176,230 gives the same sequence; the c. name uses the placement nearest the transcript's 3' end. VCF-style (leftmost placement, unchanged base first): chr14-45176227-CTT-C. GRCh37 (hg19) VCF-style: chr14-45645430-CTT-C.
Other names: c.3397_3398del, p.Leu1133fs (NM_001308133.2); short protein forms L1133fs, L1159fs.
Identifiers: ClinVar variation 1393426 (VCV001393426.6), dbSNP rs2139248770, ClinGen allele CA2573149941.
Genomic context (GRCh38, chr14:45,176,227, plus strand): 5'-AAGATGTTAATACAGAGTTCGACGATGTGAGTCTTTCACCCTTGAACAGTAAAAGCGAAT[CTT>C]TACCTGTGTCAGACAAAACTGCTATTAGTGAAACGCCTCTGGTCTCTCAGTTCTTAATTT-3'

ClinVar aggregate classification (germline): Pathogenic (1 of 4 stars; one submission).

Conditions:
Fanconi anemia (FA). Also called: Fanconi's anemia. Identifiers: Orphanet 84, MedGen C0015625, MeSH D005199, MONDO:0019391.

Submission:

Labcorp Genetics (formerly Invitae), Labcorp
Classification: Pathogenic for Fanconi anemia. Last evaluated: 2021-09-29. Review status: criteria provided, single submitter. Criteria: Invitae Variant Classification Sherloc (09022015). Collection method: clinical testing. Allele origin: germline.
Comment: This sequence change creates a premature translational stop signal (p.Leu1159Thrfs*9) in the FANCM gene. It is expected to result in an absent or disrupted protein product. Loss-of-function variants in FANCM are known to be pathogenic (PMID: 29895858, 30075111). This variant is not present in population databases (ExAC no frequency). This variant has not been reported in the literature in individuals affected with FANCM-related conditions. For these reasons, this variant has been classified as Pathogenic.

Literature cited by the submitters: PubMed 29895858; PubMed 30075111.